The following is an entry in ClinVar:

NM_000059.4(BRCA2):c.3090C>G (p.Phe1030Leu)

Gene: BRCA2 (BRCA2 DNA repair associated; plus strand). Cytogenetic location: 13q13.1.
Variant type: single nucleotide variant.
Coding change: c.3090C>G on transcript NM_000059.4 (MANE Select); coding-DNA position 3090, C replaced by G.
Protein change: p.Phe1030Leu; replaces phenylalanine 1030 with leucine.
Molecular consequence: missense variant.
Genome position (GRCh38, 1-based): chr13:32,337,445, C>G. VCF-style: chr13-32337445-C-G. GRCh37 (hg19) VCF-style: chr13-32911582-C-G.
Other names: short protein forms F1030L.
Identifiers: ClinVar variation 491231 (VCV000491231.15), dbSNP rs756152752, ClinGen allele CA6940664.

ClinVar aggregate classification (germline): Conflicting classifications of pathogenicity. Review status: criteria provided, conflicting classifications (1 of 4 stars). 5 submissions from 5 submitters: Uncertain significance (3); Likely benign (2). Last evaluated 2025-12-01.

Conditions:
Hereditary breast ovarian cancer syndrome. Also called: Hereditary breast and/or ovarian cancer syndrome; BRCA1- and BRCA2-Associated Hereditary Breast and Ovarian Cancer; Breast and ovarian cancer; Hereditary breast and ovarian cancer; Hereditary breast and ovarian cancer syndrome; Hereditary breast and ovarian cancer syndrome (HBOC). Identifiers: Orphanet 145, MedGen C0677776, MeSH D061325, MONDO:0003582. Disease mechanism: loss of function.
Hereditary cancer-predisposing syndrome. Also called: Hereditary neoplastic syndrome; Tumor predisposition; Hereditary Cancer Syndrome; Neoplastic Syndromes, Hereditary. Identifiers: Orphanet 140162, MedGen C0027672, MeSH D009386, MONDO:0015356.

Allele frequency attached by ClinVar (database versions not stated): gnomAD exomes 0.00001; ExAC 0.00002.
gnomAD v4.1: 5 of 1,612,824 alleles (0.00031%); highest among the groups gnomAD compares: South Asian, 0.0022%; no homozygotes.

Submissions (5):

Labcorp Genetics (formerly Invitae), Labcorp
Classification: Uncertain significance for Hereditary breast ovarian cancer syndrome. Last evaluated: 2025-12-01. Review status: criteria provided, single submitter. Criteria: Invitae Variant Classification Sherloc (09022015). Collection method: clinical testing. Allele origin: germline.
Comment: This sequence change replaces phenylalanine, which is neutral and non-polar, with leucine, which is neutral and non-polar, at codon 1030 of the BRCA2 protein (p.Phe1030Leu). This variant is present in population databases (rs756152752, gnomAD 0.003%). This variant has not been reported in the literature in individuals affected with BRCA2-related conditions. ClinVar contains an entry for this variant (Variation ID: 491231). Invitae Evidence Modeling of protein sequence and biophysical properties (such as structural, functional, and spatial information, amino acid conservation, physicochemical variation, residue mobility, and thermodynamic stability) indicates that this missense variant is not expected to disrupt BRCA2 protein function with a negative predictive value of 95%. In summary, the available evidence is currently insufficient to determine the role of this variant in disease. Therefore, it has been classified as a Variant of Uncertain Significance.

Quest Diagnostics Nichols Institute San Juan Capistrano
Classification: Uncertain significance. Last evaluated: 2025-01-17. Review status: criteria provided, single submitter. Criteria: Quest Diagnostics criteria. Collection method: clinical testing. Allele origin: unknown.
Comment: The BRCA2 c.3090C>G (p.Phe1030Leu) variant has been reported to be located in a region of the BRCA2 gene that is tolerant to missense sequence changes (PMID: 31911673 (2020)). To the best of our knowledge, this variant has not been reported in individuals with BRCA2-related disorders. The frequency of this variant in the general population (Genome Aggregation Database) is uninformative in the assessment of its pathogenicity. Analysis of this variant using bioinformatics tools for the prediction of the effect of amino acid changes on protein structure and function yielded predictions that this variant is benign. Based on the available information, we are unable to determine the clinical significance of this variant.

Ambry Genetics
Classification: Likely benign for Hereditary cancer-predisposing syndrome. Last evaluated: 2023-06-24. Review status: criteria provided, single submitter. Criteria: Ambry Variant Classification Scheme 2023. Collection method: clinical testing. Allele origin: germline.

University of Washington Department of Laboratory Medicine, University of Washington
Classification: Likely benign for Hereditary cancer-predisposing syndrome. Last evaluated: 2023-03-23. Review status: criteria provided, single submitter. Criteria: Dines et al. (Genet Med. 2020). Collection method: curation. Allele origin: germline.
Comment: Missense variant in a coldspot region where missense variants are very unlikely to be pathogenic (PMID:31911673).

BRCA2 exon 11 coldspot. Reclassification based on statistical prior probability.

Color Diagnostics, LLC DBA Color Health
Classification: Uncertain significance for Hereditary cancer-predisposing syndrome. Last evaluated: 2019-05-05. Review status: criteria provided, single submitter. Criteria: ACMG Guidelines, 2015. Collection method: clinical testing. Allele origin: germline.

Literature cited by the submitters: PubMed 31911673 (cited by Quest Diagnostics Nichols Institute San Juan Capistrano).